The following is an entry in ClinVar:

NM_020964.3(EPG5):c.2936A>G (p.Lys979Arg)

Gene: EPG5 (ectopic P-granules 5 autophagy tethering factor; minus strand). Cytogenetic location: 18q21.1.
Variant type: single nucleotide variant.
Coding change: c.2936A>G on transcript NM_020964.3 (MANE Select); coding-DNA position 2936, A replaced by G.
Protein change: p.Lys979Arg; replaces lysine 979 with arginine.
Molecular consequence: missense variant.
Genome position (GRCh38, 1-based): chr18:45,922,503, T>C on the plus strand (A>G on the coding strand, the complement: EPG5 is on the minus strand). VCF-style: chr18-45922503-T-C. GRCh37 (hg19) VCF-style: chr18-43502469-T-C.
Other names: c.2936A>G, p.Lys979Arg (NM_001410858.1, NM_001410859.1); short protein forms K979R.
Identifiers: ClinVar variation 2076704 (VCV002076704.4), dbSNP rs2511862709, ClinGen allele CA402344321.

ClinVar aggregate classification (germline): Uncertain significance (1 of 4 stars; one submission).

Conditions:
Vici syndrome (VICIS). Identifiers: Orphanet 1493, MedGen C1855772, MONDO:0009452, OMIM 242840.

Submission:

Labcorp Genetics (formerly Invitae), Labcorp
Classification: Uncertain significance for Vici syndrome. Last evaluated: 2022-07-06. Review status: criteria provided, single submitter. Criteria: Invitae Variant Classification Sherloc (09022015). Collection method: clinical testing. Allele origin: germline.
Comment: In summary, the available evidence is currently insufficient to determine the role of this variant in disease. Therefore, it has been classified as a Variant of Uncertain Significance. Algorithms developed to predict the effect of missense changes on protein structure and function output the following: SIFT: "Tolerated"; PolyPhen-2: "Benign"; Align-GVGD: "Class C0". The arginine amino acid residue is found in multiple mammalian species, which suggests that this missense change does not adversely affect protein function. This variant has not been reported in the literature in individuals affected with EPG5-related conditions. This variant is not present in population databases (gnomAD no frequency). This sequence change replaces lysine, which is basic and polar, with arginine, which is basic and polar, at codon 979 of the EPG5 protein (p.Lys979Arg).